The following is an entry in ClinVar:

NM_000487.6(ARSA):c.1288C>T (p.Leu430Phe)

Gene: ARSA (arylsulfatase A; minus strand). Cytogenetic location: 22q13.33.
Variant type: single nucleotide variant.
Coding change: c.1288C>T on transcript NM_000487.6 (MANE Select); coding-DNA position 1288, C replaced by T.
Protein change: p.Leu430Phe; replaces leucine 430 with phenylalanine.
Molecular consequence: missense variant.
Genome position (GRCh38, 1-based): chr22:50,625,387, G>A on the plus strand (C>T on the coding strand, the complement: ARSA is on the minus strand). VCF-style: chr22-50625387-G-A. GRCh37 (hg19) VCF-style: chr22-51063815-G-A.
Other names: c.1288C>T, p.Leu430Phe (NM_001085427.3, NM_001085425.3, NM_001085426.3); c.1030C>T, p.Leu344Phe (NM_001085428.3, NM_001362782.2); short protein forms L430F, L344F.
Identifiers: ClinVar variation 2860762 (VCV002860762.5), dbSNP rs763190974, ClinGen allele CA10324753.

ClinVar aggregate classification (germline): Likely pathogenic (1 of 4 stars; one submission).

Conditions:
Metachromatic leukodystrophy (MLD). Also called: Cerebral sclerosis diffuse metachromatic form; ARSA DEFICIENCY; Arylsulfatase A Deficiency; CEREBROSIDE SULFATASE DEFICIENCY; METACHROMATIC LEUKOENCEPHALOPATHY; SULFATIDE LIPIDOSIS. Identifiers: Orphanet 512, MedGen C0023522, MONDO:0018868, OMIM 250100.

Allele frequency attached by ClinVar (database versions not stated): ExAC 0.00001.
gnomAD v4.1: 1 of 1,601,362 alleles (0.000062%); highest among the groups gnomAD compares: East Asian, 0.0022%; no homozygotes.

Submission:

Labcorp Genetics (formerly Invitae), Labcorp
Classification: Likely pathogenic for Metachromatic leukodystrophy. Last evaluated: 2023-08-04. Review status: criteria provided, single submitter. Criteria: Invitae Variant Classification Sherloc (09022015). Collection method: clinical testing. Allele origin: germline.
Comment: In summary, the currently available evidence indicates that the variant is pathogenic, but additional data are needed to prove that conclusively. Therefore, this variant has been classified as Likely Pathogenic. This variant disrupts the p.Leu430 amino acid residue in ARSA. Other variant(s) that disrupt this residue have been determined to be pathogenic (PMID: 9272717, 26462614; Invitae). This suggests that this residue is clinically significant, and that variants that disrupt this residue are likely to be disease-causing. Advanced modeling of protein sequence and biophysical properties (such as structural, functional, and spatial information, amino acid conservation, physicochemical variation, residue mobility, and thermodynamic stability) performed at Invitae indicates that this missense variant is expected to disrupt ARSA protein function. This variant has not been reported in the literature in individuals affected with ARSA-related conditions. This variant is present in population databases (rs763190974, gnomAD 0.006%). This sequence change replaces leucine, which is neutral and non-polar, with phenylalanine, which is neutral and non-polar, at codon 430 of the ARSA protein (p.Leu430Phe).

Literature cited by the submitters: PubMed 9272717; PubMed 26462614.